The following is an entry in ClinVar:

ClinVar aggregate classification (germline): Uncertain significance. Review status: criteria provided, multiple submitters, no conflicts (2 of 4 stars). 4 submissions from 4 submitters: Uncertain significance (4). Last evaluated 2026-07-06.

Conditions:
Hereditary cancer-predisposing syndrome. Also called: Tumor predisposition; Hereditary neoplastic syndrome; Neoplastic Syndromes, Hereditary; Hereditary Cancer Syndrome. Identifiers: Orphanet 140162, MedGen C0027672, MeSH D009386, MONDO:0015356.
Oligodontia-cancer predisposition syndrome. Also called: TOOTH AGENESIS-COLORECTAL CANCER SYNDROME. Identifiers: Orphanet 300576, MedGen C1837750, MONDO:0012075, OMIM 608615. Disease mechanism: loss of function.
Colorectal cancer. Also called: Colorectal cancer, somatic; Malignant Colorectal Neoplasm. Identifiers: MedGen C0346629, MONDO:0005575, OMIM 114500.

Submissions (4):

Ambry Genetics
Classification: Uncertain significance for Hereditary cancer-predisposing syndrome. Last evaluated: 2026-07-06. Review status: criteria provided, single submitter. Criteria: Ambry Variant Classification Scheme 2023. Collection method: clinical testing. Allele origin: germline.
Comment: The p.G502D variant (also known as c.1505G>A), located in coding exon 5 of the AXIN2 gene, results from a G to A substitution at nucleotide position 1505. The glycine at codon 502 is replaced by aspartic acid, an amino acid with similar properties. This amino acid position is conserved. In addition, this alteration is predicted to be tolerated by in silico analysis. Based on the available evidence, the clinical significance of this variant remains unclear.

GeneDx
Classification: Uncertain significance. Last evaluated: 2024-12-26. Review status: criteria provided, single submitter. Criteria: GeneDx Variant Classification Process June 2021. Collection method: clinical testing. Allele origin: germline. Affected: yes.
Comment: Not observed at significant frequency in large population cohorts (gnomAD); In silico analysis indicates that this missense variant does not alter protein structure/function; Has not been previously published as pathogenic or benign to our knowledge

Baylor Genetics
Classification: Uncertain significance for Colorectal cancer. Last evaluated: 2023-10-31. Review status: criteria provided, single submitter. Criteria: ACMG Guidelines, 2015. Collection method: clinical testing. Allele origin: unknown.

Labcorp Genetics (formerly Invitae), Labcorp
Classification: Uncertain significance for Oligodontia-cancer predisposition syndrome. Last evaluated: 2023-01-15. Review status: criteria provided, single submitter. Criteria: Invitae Variant Classification Sherloc (09022015). Collection method: clinical testing. Allele origin: germline.
Comment: In summary, the available evidence is currently insufficient to determine the role of this variant in disease. Therefore, it has been classified as a Variant of Uncertain Significance. Advanced modeling of protein sequence and biophysical properties (such as structural, functional, and spatial information, amino acid conservation, physicochemical variation, residue mobility, and thermodynamic stability) performed at Invitae indicates that this missense variant is not expected to disrupt AXIN2 protein function. ClinVar contains an entry for this variant (Variation ID: 1723606). This variant has not been reported in the literature in individuals affected with AXIN2-related conditions. This variant is not present in population databases (gnomAD no frequency). This sequence change replaces glycine, which is neutral and non-polar, with aspartic acid, which is acidic and polar, at codon 502 of the AXIN2 protein (p.Gly502Asp).

NM_004655.4(AXIN2):c.1505G>A (p.Gly502Asp)

Gene: AXIN2 (axin 2; minus strand). Cytogenetic location: 17q24.1.
Variant type: single nucleotide variant.
Coding change: c.1505G>A on transcript NM_004655.4 (MANE Select); coding-DNA position 1505, G replaced by A.
Protein change: p.Gly502Asp; replaces glycine 502 with aspartic acid.
Molecular consequence: missense variant.
Genome position (GRCh38, 1-based): chr17:65,537,531, C>T on the plus strand (G>A on the coding strand, the complement: AXIN2 is on the minus strand). VCF-style: chr17-65537531-C-T. GRCh37 (hg19) VCF-style: chr17-63533649-C-T.
Other names: c.1505G>A, p.Gly502Asp (NM_001363813.1); short protein forms G502D.
Identifiers: ClinVar variation 1723606 (VCV001723606.8), dbSNP rs2144460841, ClinGen allele CA400677378.